The following is an entry in ClinVar:

NM_001048166.1(STIL):c.177G>C (p.Glu59Asp)

Gene: STIL (STIL centriolar assembly protein; minus strand). Cytogenetic location: 1p33.
Variant type: single nucleotide variant.
Coding change: c.177G>C on transcript NM_001048166.1 (MANE Select); coding-DNA position 177, G replaced by C.
Protein change: p.Glu59Asp; replaces glutamic acid 59 with aspartic acid.
Molecular consequence: missense variant.
Genome position (GRCh38, 1-based): chr1:47,302,322, C>G on the plus strand (G>C on the coding strand, the complement: STIL is on the minus strand). VCF-style: chr1-47302322-C-G. GRCh37 (hg19) VCF-style: chr1-47767994-C-G.
Other names: c.177G>C, p.Glu59Asp (NM_001282936.1, NM_001282937.1, NM_001282938.1 and 3 more transcripts); short protein forms E59D.
Identifiers: ClinVar variation 1381060 (VCV001381060.6), dbSNP rs2149205654, ClinGen allele CA340256096.
Genomic context (GRCh38, chr1:47,302,322, plus strand): 5'-AAAGCATGACGAATTTTTTTTATTCTGCTTAGCATGACGATAAGCAAGTCGGATGGTCTT[C>G]TCAGTCACCACAAGCTTTGGATTTCTGAAAAACAACAAGTCTTTTATGAATATGGTAGAC-3'
Protein context (NP_001041631.1, residues 49-69): YYRNPKLVVT[Glu59Asp]KTIRLAYRHA

ClinVar aggregate classification (germline): Uncertain significance (1 of 4 stars; one submission).

Submission:

Labcorp Genetics (formerly Invitae), Labcorp
Classification: Uncertain significance. Last evaluated: 2023-05-22. Review status: criteria provided, single submitter. Criteria: Invitae Variant Classification Sherloc (09022015). Collection method: clinical testing. Allele origin: germline.
Comment: This sequence change replaces glutamic acid, which is acidic and polar, with aspartic acid, which is acidic and polar, at codon 59 of the STIL protein (p.Glu59Asp). This variant is not present in population databases (gnomAD no frequency). This variant has not been reported in the literature in individuals affected with STIL-related conditions. ClinVar contains an entry for this variant (Variation ID: 1381060). Advanced modeling of protein sequence and biophysical properties (such as structural, functional, and spatial information, amino acid conservation, physicochemical variation, residue mobility, and thermodynamic stability) performed at Invitae indicates that this missense variant is expected to disrupt STIL protein function. In summary, the available evidence is currently insufficient to determine the role of this variant in disease. Therefore, it has been classified as a Variant of Uncertain Significance.